The following is an entry in ClinVar:

NM_001371727.1(GABRB2):c.662A>G (p.Lys221Arg)

Gene: GABRB2 (gamma-aminobutyric acid type A receptor subunit beta2; minus strand). Cytogenetic location: 5q34.
Variant type: single nucleotide variant.
Coding change: c.662A>G on transcript NM_001371727.1 (MANE Select); coding-DNA position 662, A replaced by G.
Protein change: p.Lys221Arg; replaces lysine 221 with arginine.
Molecular consequence: missense variant.
Genome position (GRCh38, 1-based): chr5:161,336,649, T>C on the plus strand (A>G on the coding strand, the complement: GABRB2 is on the minus strand). VCF-style: chr5-161336649-T-C. GRCh37 (hg19) VCF-style: chr5-160763656-T-C.
Other names: c.662A>G, p.Lys221Arg (NM_000813.3, NM_021911.3); short protein forms K221R.
Identifiers: ClinVar variation 546301 (VCV000546301.7), dbSNP rs1273884286, ClinGen allele CA362171862.
Genomic context (GRCh38, chr5:161,336,649, plus strand): 5'-CGGTGAAGATTATTTTCCCTTAACACTTTTCCATGATACAAACCTGTGGAAAAAACAACC[T>C]TCTTGGTGATAAGTTTGTAATCTACAATAGAGAACTGTGGAAGTTCAATTTTCGTTACTC-3'
Protein context (NP_001358656.1, residues 211-231): SIVDYKLITK[Lys221Arg]VVFSTGSYPR

ClinVar aggregate classification (germline): Conflicting classifications of pathogenicity. Review status: criteria provided, conflicting classifications (1 of 4 stars). 2 submissions from 2 submitters: Uncertain significance (1); Benign (1). Last evaluated 2024-01-08.

Conditions:
Intellectual disability. Also called: Intellectual functioning disability; intellectual disabilities; Intellectual developmental disorder. Identifiers: MedGen C3714756, MeSH D008607, MONDO:0001071, HP:0001249.

Allele frequency attached by ClinVar (database versions not stated): gnomAD exomes below 0.00001; gnomAD 0.00001.
gnomAD v4.1: 2 of 1,613,130 alleles (0.00012%); highest among the groups gnomAD compares: Non-Finnish European, 0.00017%; no homozygotes.

Submissions (2):

Labcorp Genetics (formerly Invitae), Labcorp
Classification: Benign for Intellectual disability. Last evaluated: 2024-01-08. Review status: criteria provided, single submitter. Criteria: Invitae Variant Classification Sherloc (09022015). Collection method: clinical testing. Allele origin: germline.

GeneDx
Classification: Uncertain significance. Last evaluated: 2018-05-10. Review status: criteria provided, single submitter. Criteria: GeneDx Variant Classification (06012015). Collection method: clinical testing. Allele origin: germline. Affected: yes.
Comment: The K221R variant has not been published as a pathogenic variant, nor has it been reported as a benign variant to our knowledge. The K221R variant is observed in 1/14958 (0.007%) alleles from individuals of European background (Lek et al., 2016). The K221R variant is a conservative amino acid substitution, which is not likely to impact secondary protein structure as these residues share similar properties. In-silico analyses, including protein predictors and evolutionary conservation, support that this variant does not alter protein structure/function. Based on the currently available information, it is unclear whether this variant is a pathogenic variant or a rare benign variant.